The following is an entry in ClinVar:

NM_002778.4(PSAP):c.376-3C>T

Gene: PSAP (prosaposin; minus strand). Cytogenetic location: 10q22.1.
Variant type: single nucleotide variant.
Coding change: c.376-3C>T on transcript NM_002778.4 (MANE Select); 3 bases into the intron before coding-DNA position 376, C replaced by T.
Molecular consequence: intron variant.
Genome position (GRCh38, 1-based): chr10:71,829,080, G>A on the plus strand (C>T on the coding strand, the complement: PSAP is on the minus strand). VCF-style: chr10-71829080-G-A. GRCh37 (hg19) VCF-style: chr10-73588837-G-A.
Other names: c.376-3C>T (NM_001042466.3, NM_001042465.3).
Identifiers: ClinVar variation 1355045 (VCV001355045.6), dbSNP rs1444728021, ClinGen allele CA594706422.
Genomic context (GRCh38, chr10:71,829,080, plus strand): 5'-GGTGCTTCTGGAGAGACTCGCAGAGGTTGAGAGCAGAGCACACCTCCCCAGGACGGCTCT[G>A]GTGGGATGGAAAGAAGTCCTGCTGAAAATCCTCTCCCCAGGGGAAAATAAGACAGGCCAT-3'

ClinVar aggregate classification (germline): Uncertain significance (1 of 4 stars; one submission).

Conditions:
Sphingolipid activator protein 1 deficiency. Also called: METACHROMATIC LEUKODYSTROPHY DUE TO CEREBROSIDE SULFATASE ACTIVATOR DEFICIENCY; Metachromatic leukodystrophy due to saposin B deficiency; Saposin B Deficiency. Identifiers: Orphanet 512, MedGen C0268262, MONDO:0009590, OMIM 249900.

Allele frequency attached by ClinVar (database versions not stated): gnomAD 0.00001; gnomAD exomes 0.00001; TOPMed 0.00001.
gnomAD v4.1: 5 of 1,613,368 alleles (0.00031%); highest among the groups gnomAD compares: Admixed American, 0.0083%; no homozygotes.

Submission:

Labcorp Genetics (formerly Invitae), Labcorp
Classification: Uncertain significance for Sphingolipid activator protein 1 deficiency. Last evaluated: 2025-10-27. Review status: criteria provided, single submitter. Criteria: Invitae Variant Classification Sherloc (09022015). Collection method: clinical testing. Allele origin: germline.
Comment: This sequence change falls in intron 4 of the PSAP gene. It does not directly change the encoded amino acid sequence of the PSAP protein. It affects a nucleotide within the consensus splice site. This variant is present in population databases (no rsID available, gnomAD 0.006%). This variant has not been reported in the literature in individuals affected with PSAP-related conditions. ClinVar contains an entry for this variant (Variation ID: 1355045). Variants that disrupt the consensus splice site are a relatively common cause of aberrant splicing (PMID: 17576681, 9536098). Algorithms developed to predict the effect of sequence changes on RNA splicing suggest that this variant is not likely to affect RNA splicing. In summary, the available evidence is currently insufficient to determine the role of this variant in disease. Therefore, it has been classified as a Variant of Uncertain Significance.

Literature cited by the submitters: PubMed 17576681; PubMed 9536098.